The following is an entry in ClinVar:

ClinVar aggregate classification (germline): Uncertain significance (1 of 4 stars; one submission).

Conditions:
EMC10-related disorder. Also called: EMC10-related condition.

gnomAD v4.1: 3 of 1,609,396 alleles (0.00019%); highest among the groups gnomAD compares: Middle Eastern, 0.02%; no homozygotes.

Submission:

PreventionGenetics, part of Exact Sciences
Classification: Uncertain significance for EMC10-related condition. Last evaluated: 2025-10-17. Review status: criteria provided, single submitter. Criteria: ACMG Guidelines, 2015. Collection method: clinical testing. Allele origin: germline.
Comment: The EMC10 c.204C>G variant is predicted to result in the amino acid substitution p.Phe68Leu. To our knowledge, this variant has not been reported in the literature or in gnomAD, indicating that this variant is rare. At this time, the clinical significance of this variant is uncertain due to the absence of conclusive functional and genetic evidence.

NM_206538.4(EMC10):c.204C>G (p.Phe68Leu)

Gene: EMC10 (ER membrane protein complex subunit 10; plus strand). Cytogenetic location: 19q13.33.
Variant type: single nucleotide variant.
Coding change: c.204C>G on transcript NM_206538.4 (MANE Select); coding-DNA position 204, C replaced by G.
Protein change: p.Phe68Leu; replaces phenylalanine 68 with leucine.
Molecular consequence: missense variant.
Genome position (GRCh38, 1-based): chr19:50,478,973, C>G. VCF-style: chr19-50478973-C-G. GRCh37 (hg19) VCF-style: chr19-50982230-C-G.
Other names: c.204C>G, p.Phe68Leu (NM_175063.6); short protein forms F68L.
Identifiers: ClinVar variation 4982661 (VCV004982661.1).